The following is an entry in ClinVar:

ClinVar aggregate classification (germline): Likely pathogenic (1 of 4 stars; one submission).

Conditions:
Rauch-Steindl syndrome (RAUST). Identifiers: Orphanet 659642, MedGen C5562061, MONDO:0859219, OMIM 619695.

Submission:

Juno Genomics, Hangzhou Juno Genomics, Inc
Classification: Likely pathogenic for Rauch-Steindl syndrome. Review status: criteria provided, single submitter. Criteria: ACMG Guidelines, 2015. Collection method: clinical testing. Allele origin: germline. Affected: yes.
Comment: Absent from controls (or at extremely low frequency if recessive) in Genome Aggregation Database.;Null variant in a gene where loss of function (LOF) is a known mechanism of disease.

NM_001042424.3(NSD2):c.40_41del (p.Ser14fs)

Gene: NSD2 (nuclear receptor binding SET domain protein 2; plus strand). Cytogenetic location: 4p16.3.
Variant type: Microsatellite.
Coding change: c.40_41del on transcript NM_001042424.3 (MANE Select); coding-DNA positions 40 to 41, 2 bases deleted (AG; older notation c.40_41delAG).
Protein change: p.Ser14fs; shifts the reading frame from serine 14.
Molecular consequence: frameshift variant. On other transcripts: 5 prime UTR variant (2).
Genome position (GRCh38, 1-based): chr4:1,900,694-1,900,695, AG deleted; deleting any 2 consecutive bases within chr4:1,900,692-1,900,695 gives the same sequence; the c. name uses the placement nearest the transcript's 3' end. VCF-style (leftmost placement, unchanged base first): chr4-1900691-CAG-C. GRCh37 (hg19) VCF-style: chr4-1902418-CAG-C.
Other names: c.40_41del, p.Ser14fs (NM_001440892.1, NM_001440893.1, NM_001440894.1 and 9 more transcripts); c.-769AG[1] (NM_001440899.1); c.-1036AG[1] (NM_001440900.1); short protein forms S14fs.
Identifiers: ClinVar variation 5019957 (VCV005019957.1).
Genomic context (GRCh38, chr4:1,900,691, plus strand): 5'-TAAGAACGGAAGCATCTGGGCTGGATGGAATTTAGCATCAAGCAGAGTCCCCTTTCTGTT[CAG>C]AGTGTTGTAAAGTGCATAAAGATGAAGCAGGCACCAGAAATCCTCGGCAGTGCCAACGGG-3'